The following is an entry in ClinVar:

NM_001031689.3(PLAA):c.1650A>G (p.Gln550=)

Gene: PLAA (phospholipase A2 activating protein; minus strand). Cytogenetic location: 9p21.2.
Variant type: single nucleotide variant.
Coding change: c.1650A>G on transcript NM_001031689.3 (MANE Select); coding-DNA position 1650, A replaced by G.
Protein change: p.Gln550=; no amino-acid change (glutamine 550 retained).
Molecular consequence: synonymous variant.
Genome position (GRCh38, 1-based): chr9:26,910,345, T>C on the plus strand (A>G on the coding strand, the complement: PLAA is on the minus strand). VCF-style: chr9-26910345-T-C. GRCh37 (hg19) VCF-style: chr9-26910343-T-C.
Other names: c.1581A>G, p.Gln527= (NM_001321546.2); c.1650A>G (NM_001031689.2).
Identifiers: ClinVar variation 1473202 (VCV001473202.7), dbSNP rs140019416, ClinGen allele CA5014272.

ClinVar aggregate classification (germline): Likely benign. Review status: criteria provided, multiple submitters, no conflicts (2 of 4 stars). 2 submissions from 2 submitters: Likely benign (2). Last evaluated 2025-10-22.

Conditions:
PLAA-related disorder. Also called: PLAA-related condition.

Allele frequency attached by ClinVar (database versions not stated): gnomAD exomes 0.00001 and 0.00002; ExAC 0.00002; gnomAD 0.00003 and 0.00004; TOPMed 0.00006; ESP Exome Variant Server 0.00008.

Submissions (2):

PreventionGenetics, part of Exact Sciences
Classification: Likely benign for PLAA-related condition. Last evaluated: 2025-10-22. Review status: criteria provided, single submitter. Criteria: ACMG Guidelines, 2015. Collection method: clinical testing. Allele origin: germline.
Comment: This variant is classified as likely benign based on ACMG/AMP sequence variant interpretation guidelines (Richards et al. 2015 PMID: 25741868, with internal and published modifications).

Labcorp Genetics (formerly Invitae), Labcorp
Classification: Likely benign. Last evaluated: 2023-06-05. Review status: criteria provided, single submitter. Criteria: Invitae Variant Classification Sherloc (09022015). Collection method: clinical testing. Allele origin: germline.